The following is an entry in ClinVar:

ClinVar aggregate classification (germline): Likely benign. Review status: criteria provided, multiple submitters, no conflicts (2 of 4 stars). 3 submissions from 3 submitters: Likely benign (3). Last evaluated 2025-12-31.

Conditions:
Brugada syndrome 6 (BRGDA6). Identifiers: Orphanet 130, MedGen C2751089, MONDO:0013145, OMIM 613119.
Cardiovascular phenotype. Identifiers: MedGen CN230736.

Allele frequency attached by ClinVar (database versions not stated): gnomAD 0.00001 and 0.00003; TOPMed 0.00002; gnomAD exomes 0.00003 and 0.00006; ExAC 0.00005.
gnomAD v4.1: 58 of 1,614,018 alleles (0.0036%); highest among the groups gnomAD compares: Middle Eastern, 0.016%; no homozygotes.

Submissions (3):

Labcorp Genetics (formerly Invitae), Labcorp
Classification: Likely benign for Brugada syndrome 6. Last evaluated: 2025-12-31. Review status: criteria provided, single submitter. Criteria: Invitae Variant Classification Sherloc (09022015). Collection method: clinical testing. Allele origin: germline.

Ambry Genetics
Classification: Likely benign for Cardiovascular phenotype. Last evaluated: 2022-06-19. Review status: criteria provided, single submitter. Criteria: Ambry Variant Classification Scheme 2023. Collection method: clinical testing. Allele origin: germline.

GeneDx
Classification: Likely benign. Last evaluated: 2016-06-23. Review status: criteria provided, single submitter. Criteria: GeneDx Variant Classification (06012015). Collection method: clinical testing. Allele origin: germline. Affected: yes.
Comment: This variant is considered likely benign or benign based on one or more of the following criteria: it is a conservative change, it occurs at a poorly conserved position in the protein, it is predicted to be benign by multiple in silico algorithms, and/or has population frequency not consistent with disease.

NM_005472.5(KCNE3):c.21G>A (p.Thr7=)

Gene: KCNE3 (potassium voltage-gated channel subfamily E regulatory subunit 3; minus strand). Cytogenetic location: 11q13.4.
Variant type: single nucleotide variant.
Coding change: c.21G>A on transcript NM_005472.5 (MANE Select); coding-DNA position 21, G replaced by A.
Protein change: p.Thr7=; no amino-acid change (threonine 7 retained).
Molecular consequence: synonymous variant.
Genome position (GRCh38, 1-based): chr11:74,457,543, C>T on the plus strand (G>A on the coding strand, the complement: KCNE3 is on the minus strand). VCF-style: chr11-74457543-C-T. GRCh37 (hg19) VCF-style: chr11-74168588-C-T.
Identifiers: ClinVar variation 387176 (VCV000387176.11), dbSNP rs201582585, ClinGen allele CA6184875.